The following is an entry in ClinVar:

ClinVar aggregate classification (germline): Uncertain significance (1 of 4 stars; one submission).

Submission:

Labcorp Genetics (formerly Invitae), Labcorp
Classification: Uncertain significance. Last evaluated: 2022-06-30. Review status: criteria provided, single submitter. Criteria: Invitae Variant Classification Sherloc (09022015). Collection method: clinical testing. Allele origin: germline.
Comment: In summary, the available evidence is currently insufficient to determine the role of this variant in disease. Therefore, it has been classified as a Variant of Uncertain Significance. Algorithms developed to predict the effect of missense changes on protein structure and function are either unavailable or do not agree on the potential impact of this missense change (SIFT: "Deleterious"; PolyPhen-2: "Benign"; Align-GVGD: "Class C15"). This variant has not been reported in the literature in individuals affected with LRP5-related conditions. This variant is not present in population databases (gnomAD no frequency). This sequence change replaces histidine, which is basic and polar, with leucine, which is neutral and non-polar, at codon 467 of the LRP5 protein (p.His467Leu).

NM_002335.4(LRP5):c.1400A>T (p.His467Leu)

Gene: LRP5 (LDL receptor related protein 5; plus strand). Cytogenetic location: 11q13.2.
Variant type: single nucleotide variant.
Coding change: c.1400A>T on transcript NM_002335.4 (MANE Select); coding-DNA position 1400, A replaced by T.
Protein change: p.His467Leu; replaces histidine 467 with leucine.
Molecular consequence: missense variant. On other transcripts: 5 prime UTR variant (1).
Genome position (GRCh38, 1-based): chr11:68,386,700, A>T. VCF-style: chr11-68386700-A-T. GRCh37 (hg19) VCF-style: chr11-68154168-A-T.
Other names: c.-366A>T (NM_001291902.2); short protein forms H467L.
Identifiers: ClinVar variation 2006076 (VCV002006076.4), dbSNP rs2496600686, ClinGen allele CA381612860.